The following is an entry in ClinVar:

NM_025265.4(TSEN2):c.560G>C (p.Arg187Pro)

Gene: TSEN2 (tRNA splicing endonuclease subunit 2; plus strand). Cytogenetic location: 3p25.2.
Variant type: single nucleotide variant.
Coding change: c.560G>C on transcript NM_025265.4 (MANE Select); coding-DNA position 560, G replaced by C.
Protein change: p.Arg187Pro; replaces arginine 187 with proline.
Molecular consequence: missense variant. On other transcripts: non-coding transcript variant (1), intron variant (1).
Genome position (GRCh38, 1-based): chr3:12,503,513, G>C. VCF-style: chr3-12503513-G-C. GRCh37 (hg19) VCF-style: chr3-12545012-G-C.
Other names: c.560G>C, p.Arg187Pro (NM_001145392.2, NM_001145393.3, NM_001321277.2 and 2 more transcripts); c.516+44G>C (NM_001145394.2); short protein forms R187P.
Identifiers: ClinVar variation 160113 (VCV000160113.46), dbSNP rs146117200, ClinGen allele CA272738.

ClinVar aggregate classification (germline): Conflicting classifications of pathogenicity. Review status: criteria provided, conflicting classifications (1 of 4 stars). 8 submissions from 8 submitters: Uncertain significance (2); Benign (2); Likely benign (3). 1 of the submissions does not count toward it. Last evaluated 2026-01-28.

Conditions:
TSEN2-related disorder. Also called: TSEN2-related condition.
Pontoneocerebellar hypoplasia. Also called: Pontocerebellar hypoplasia; Non-syndromic pontocerebellar hypoplasia. Identifiers: Orphanet 98523, MedGen C1261175, MONDO:0020135.

Allele frequency attached by ClinVar (database versions not stated): ESP Exome Variant Server 0.00054; TOPMed 0.00063.
gnomAD v4.1: 1,043 of 1,614,056 alleles (0.065%); highest among the groups gnomAD compares: Middle Eastern, 0.79%; 7 homozygotes.

Submissions (8):

Labcorp Genetics (formerly Invitae), Labcorp
Classification: Benign. Last evaluated: 2026-01-28. Review status: criteria provided, single submitter. Criteria: Invitae Variant Classification Sherloc (09022015). Collection method: clinical testing. Allele origin: germline.

GeneDx
Classification: Likely benign. Last evaluated: 2025-03-18. Review status: criteria provided, single submitter. Criteria: GeneDx Variant Classification Process June 2021. Collection method: clinical testing. Allele origin: germline. Affected: yes.
Comment: See Variant Classification Assertion Criteria.

Blueprint Genetics
Classification: Likely benign. Last evaluated: 2024-11-22. Review status: criteria provided, single submitter. Criteria: ACMG Guidelines, 2015. Collection method: clinical testing. Allele origin: germline.

CeGaT Center for Human Genetics Tuebingen
Classification: Benign. Last evaluated: 2024-05-01. Review status: criteria provided, single submitter. Criteria: CeGaT Center For Human Genetics Tuebingen Variant Classification Criteria Version 2. Collection method: clinical testing. Allele origin: germline. Affected: yes. Observed: 1 variant allele.
Comment: TSEN2: BP4, BS1, BS2

Illumina Laboratory Services, Illumina
Classification: Uncertain significance for Pontoneocerebellar hypoplasia. Last evaluated: 2018-01-13. Review status: criteria provided, single submitter. Criteria: ICSL Variant Classification Criteria 13 December 2019. Collection method: clinical testing. Allele origin: germline.

Genetic Services Laboratory, University of Chicago
Classification: Likely benign. Last evaluated: 2017-03-17. Review status: criteria provided, single submitter. Criteria: ACMG Guidelines, 2015. Collection method: clinical testing. Allele origin: germline. Affected: no.

Eurofins Ntd Llc (ga)
Classification: Uncertain significance. Last evaluated: 2015-12-23. Review status: criteria provided, single submitter. Criteria: EGL Classification Definitions 2015. Collection method: clinical testing. Allele origin: germline. Observed: 1 variant allele, 1 heterozygote.

PreventionGenetics, part of Exact Sciences
Classification: Likely benign for TSEN2-related condition. Last evaluated: 2019-04-01. Review status: no assertion criteria provided. Collection method: clinical testing. Allele origin: germline. Not counted in ClinVar's aggregate classification.
Comment: This variant is classified as likely benign based on ACMG/AMP sequence variant interpretation guidelines (Richards et al. 2015 PMID: 25741868, with internal and published modifications).